The following is an entry in ClinVar:

NM_002529.4(NTRK1):c.404_405del (p.Val135fs)

Gene: NTRK1 (neurotrophic receptor tyrosine kinase 1; plus strand). Cytogenetic location: 1q23.1.
Variant type: Microsatellite.
Coding change: c.404_405del on transcript NM_002529.4 (MANE Select); coding-DNA positions 404 to 405, 2 bases deleted (TG; older notation c.404_405delTG).
Protein change: p.Val135fs; shifts the reading frame from valine 135.
Molecular consequence: frameshift variant.
Genome position (GRCh38, 1-based): chr1:156,866,954-156,866,955, TG deleted; deleting any 2 consecutive bases within chr1:156,866,952-156,866,955 gives the same sequence; the c. name uses the placement nearest the transcript's 3' end. VCF-style (leftmost placement, unchanged base first): chr1-156866951-CTG-C. GRCh37 (hg19) VCF-style: chr1-156836743-CTG-C.
Other names: c.404_405del (NM_001012331.1); c.314_315del, p.Val105fs (NM_001007792.1); c.402_403TG[1], p.Val135Alafs (NM_001012331.1); c.404_405del, p.Val135fs (NM_001012331.2); short protein forms V105fs, V135fs.
Identifiers: ClinVar variation 4814518 (VCV004814518.1).

ClinVar aggregate classification (germline): Likely pathogenic (1 of 4 stars; one submission).

Conditions:
Hereditary insensitivity to pain with anhidrosis (CIPA). Also called: INSENSITIVITY TO PAIN, CONGENITAL, WITH ANHIDROSIS; hereditary sensory and autonomic neuropathy type 4; FAMILIAL DYSAUTONOMIA, TYPE II; NEUROPATHY, CONGENITAL SENSORY, WITH ANHIDROSIS; NTRK1 Congenital Insensitivity to Pain with Anhidrosis; HSAN Type IV. Identifiers: Orphanet 642, MedGen C0020074, MONDO:0009746, OMIM 256800.

Submission:

Natera, Inc.
Classification: Likely pathogenic for Hereditary insensitivity to pain with anhidrosis. Last evaluated: 2024-09-17. Review status: criteria provided, single submitter. Criteria: Natera Variant Classification Schema (03/2026). Collection method: clinical testing. Allele origin: germline.
Comment: The c.404_405del variant in NTRK1 is a frameshift variant predicted to shift the reading frame beginning at codon 135 and leads to a stop codon 37 codons downstream. This variant is expected to result in nonsense mediated decay, truncation, or a dysfunctional protein product. This variant is rare in the general population with a frequency below the threshold expected for the associated phenotype(s). Given the available evidence, this variant is classified as Likely Pathogenic.